The following is an entry in ClinVar:

NM_014285.7(EXOSC2):c.337A>G (p.Met113Val)

Gene: EXOSC2 (exosome component 2; plus strand). Cytogenetic location: 9q34.12.
Variant type: single nucleotide variant.
Coding change: c.337A>G on transcript NM_014285.7 (MANE Select); coding-DNA position 337, A replaced by G.
Protein change: p.Met113Val; replaces methionine 113 with valine.
Molecular consequence: missense variant. On other transcripts: non-coding transcript variant (1), intron variant (1).
Genome position (GRCh38, 1-based): chr9:130,698,228, A>G. VCF-style: chr9-130698228-A-G. GRCh37 (hg19) VCF-style: chr9-133573615-A-G.
Other names: c.337A>G, p.Met113Val (NM_001282708.1); c.270+601A>G (NM_001282709.1); short protein forms M113V.
Identifiers: ClinVar variation 1469418 (VCV001469418.8), dbSNP rs2132632945, ClinGen allele CA375247397.

ClinVar aggregate classification (germline): Uncertain significance (1 of 4 stars; one submission).

Allele frequency attached by ClinVar (database versions not stated): gnomAD exomes below 0.00001.

Submission:

Labcorp Genetics (formerly Invitae), Labcorp
Classification: Uncertain significance. Last evaluated: 2022-07-06. Review status: criteria provided, single submitter. Criteria: Invitae Variant Classification Sherloc (09022015). Collection method: clinical testing. Allele origin: germline.
Comment: Algorithms developed to predict the effect of missense changes on protein structure and function (SIFT, PolyPhen-2, Align-GVGD) all suggest that this variant is likely to be tolerated. In summary, the available evidence is currently insufficient to determine the role of this variant in disease. Therefore, it has been classified as a Variant of Uncertain Significance. ClinVar contains an entry for this variant (Variation ID: 1469418). This variant has not been reported in the literature in individuals affected with EXOSC2-related conditions. This variant is not present in population databases (gnomAD no frequency). This sequence change replaces methionine, which is neutral and non-polar, with valine, which is neutral and non-polar, at codon 113 of the EXOSC2 protein (p.Met113Val).